The following is an entry in ClinVar:

ClinVar aggregate classification (germline): Uncertain significance (1 of 4 stars; one submission).

gnomAD v4.1: 4 of 1,613,942 alleles (0.00025%); highest among the groups gnomAD compares: Non-Finnish European, 0.00034%; no homozygotes.

Submission:

CeGaT Center for Human Genetics Tuebingen
Classification: Uncertain significance. Last evaluated: 2023-09-01. Review status: criteria provided, single submitter. Criteria: CeGaT Center For Human Genetics Tuebingen Variant Classification Criteria Version 2. Collection method: clinical testing. Allele origin: germline. Affected: yes. Observed: 1 variant allele.
Comment: SCN4A: PM2:Supporting, BP4

NM_000334.4(SCN4A):c.3657C>T (p.Arg1219=)

Genes: GH-LCR (growth hormone locus control region; plus strand), SCN4A (sodium voltage-gated channel alpha subunit 4; minus strand). Cytogenetic location: 17q23.3.
Variant type: single nucleotide variant.
Coding change: c.3657C>T on transcript NM_000334.4 (MANE Select); coding-DNA position 3657, C replaced by T.
Protein change: p.Arg1219=; no amino-acid change (arginine 1219 retained).
Molecular consequence: synonymous variant.
Genome position (GRCh38, 1-based): chr17:63,945,423, G>A on the plus strand (C>T on the coding strand, the complement: SCN4A is on the minus strand). VCF-style: chr17-63945423-G-A. GRCh37 (hg19) VCF-style: chr17-62022783-G-A.
Identifiers: ClinVar variation 2648087 (VCV002648087.24), dbSNP rs1908683456, ClinGen allele CA501348628.
Genomic context (GRCh38, chr17:63,945,423, plus strand): 5'-CTGCAGGAGGGAGAGGTAGCCCAGACCCACGTTGTCGTAGTTGACCTTGACATTGAGCCA[G>A]CGGACCTGGCCTGTGTGCATGAGGCTCTCGCACTCAGACTTGTTGTTGACCTCGGAGATG-3'
Protein context (NP_000325.4, residues 1209-1229): CESLMHTGQV[Arg1219=]WLNVKVNYDN